The following is an entry in ClinVar:

NM_000384.3(APOB):c.10409A>G (p.Tyr3470Cys)

Gene: APOB (apolipoprotein B; minus strand). Cytogenetic location: 2p24.1.
Variant type: single nucleotide variant.
Coding change: c.10409A>G on transcript NM_000384.3 (MANE Select); coding-DNA position 10409, A replaced by G.
Protein change: p.Tyr3470Cys; replaces tyrosine 3470 with cysteine.
Molecular consequence: missense variant.
Genome position (GRCh38, 1-based): chr2:21,006,459, T>C on the plus strand (A>G on the coding strand, the complement: APOB is on the minus strand). VCF-style: chr2-21006459-T-C. GRCh37 (hg19) VCF-style: chr2-21229331-T-C.
Other names: short protein forms Y3470C.
Identifiers: ClinVar variation 3231350 (VCV003231350.1), dbSNP rs2465359805, ClinGen allele CA345986590.

ClinVar aggregate classification (germline): Uncertain significance (1 of 4 stars; one submission).

Conditions:
Cardiovascular phenotype. Identifiers: MedGen CN230736.

Submission:

Ambry Genetics
Classification: Uncertain significance for Cardiovascular phenotype. Last evaluated: 2023-10-10. Review status: criteria provided, single submitter. Criteria: Ambry Variant Classification Scheme 2023. Collection method: clinical testing. Allele origin: germline.
Comment: The p.Y3470C variant (also known as c.10409A>G), located in coding exon 26 of the APOB gene, results from an A to G substitution at nucleotide position 10409. The tyrosine at codon 3470 is replaced by cysteine, an amino acid with highly dissimilar properties. This amino acid position is conserved. In addition, this alteration is predicted to be tolerated by in silico analysis. Since supporting evidence is limited at this time, the clinical significance of this alteration remains unclear.